The following is an entry in ClinVar:

NM_001029871.4(RSPO4):c.524A>T (p.His175Leu)

Gene: RSPO4 (R-spondin 4; minus strand). Cytogenetic location: 20p13.
Variant type: single nucleotide variant.
Coding change: c.524A>T on transcript NM_001029871.4 (MANE Select); coding-DNA position 524, A replaced by T.
Protein change: p.His175Leu; replaces histidine 175 with leucine.
Molecular consequence: missense variant. On other transcripts: intron variant (1).
Genome position (GRCh38, 1-based): chr20:964,006, T>A on the plus strand (A>T on the coding strand, the complement: RSPO4 is on the minus strand). VCF-style: chr20-964006-T-A. GRCh37 (hg19) VCF-style: chr20-944649-T-A.
Other names: c.409+3168A>T (NM_001040007.3); short protein forms H175L.
Identifiers: ClinVar variation 4070879 (VCV004070879.1).
Genomic context (GRCh38, chr20:964,006, plus strand): 5'-GGCCTCTGGATGGGACATTTCCTTGACTCAGAAAGCACCTGGCAGGTGGCTGCCTCCTCA[T>A]GCCCAGCCCGGCCAGCCTCTCGTACCCGGCTCTCCAGGCCCCAAGCCGAGCCGCAGGTCT-3'
Protein context (NP_001025042.2, residues 165-185): SRVREAGRAG[His175Leu]EEAATCQVLS

ClinVar aggregate classification (germline): Uncertain significance (1 of 4 stars; one submission).

gnomAD v4.1: 12 of 1,613,746 alleles (0.00074%); highest among the groups gnomAD compares: Admixed American, 0.0067%; no homozygotes.

Submission:

GeneDx
Classification: Uncertain significance. Last evaluated: 2025-01-21. Review status: criteria provided, single submitter. Criteria: GeneDx Variant Classification Process June 2021. Collection method: clinical testing. Allele origin: germline. Affected: yes.
Comment: In silico analysis indicates that this missense variant does not alter protein structure/function; Has not been previously published as pathogenic or benign to our knowledge